The following is an entry in ClinVar:

ClinVar aggregate classification (germline): Uncertain significance. Review status: criteria provided, single submitter (1 of 4 stars). 2 submissions from 2 submitters: Uncertain significance (1). 1 of the submissions does not count toward it. Last evaluated 2024-07-29.

Conditions:
SEMA3E-related disorder. Also called: SEMA3E-related condition.
CHARGE syndrome (CHARGE). Also called: Hittner Hirsch Kreh syndrome; CHARGE ASSOCIATION--COLOBOMA, HEART ANOMALY, CHOANAL ATRESIA, RETARDATION, GENITAL AND EAR ANOMALIES; Coloboma, heart anomaly, choanal atresia, retardation, genital and ear anomalies; CHARGE association; Hall-Hittner syndrome. Identifiers: Orphanet 138, MedGen C0265354, MONDO:0008965.

Allele frequency attached by ClinVar (database versions not stated): gnomAD 0.00001; gnomAD exomes 0.00001.
gnomAD v4.1: 11 of 1,611,768 alleles (0.00068%); highest among the groups gnomAD compares: Non-Finnish European, 0.00093%; no homozygotes.

Submissions (2):

Labcorp Genetics (formerly Invitae), Labcorp
Classification: Uncertain significance for CHARGE syndrome. Last evaluated: 2024-07-29. Review status: criteria provided, single submitter. Criteria: Invitae Variant Classification Sherloc (09022015). Collection method: clinical testing. Allele origin: germline.
Comment: This sequence change replaces arginine, which is basic and polar, with lysine, which is basic and polar, at codon 165 of the SEMA3E protein (p.Arg165Lys). This variant is present in population databases (no rsID available, gnomAD 0.007%). This variant has not been reported in the literature in individuals affected with SEMA3E-related conditions. ClinVar contains an entry for this variant (Variation ID: 2071430). Advanced modeling of protein sequence and biophysical properties (such as structural, functional, and spatial information, amino acid conservation, physicochemical variation, residue mobility, and thermodynamic stability) performed at Invitae indicates that this missense variant is not expected to disrupt SEMA3E protein function with a negative predictive value of 80%. In summary, the available evidence is currently insufficient to determine the role of this variant in disease. Therefore, it has been classified as a Variant of Uncertain Significance.

PreventionGenetics, part of Exact Sciences
Classification: Uncertain significance for SEMA3E-related condition. Last evaluated: 2024-02-27. Review status: no assertion criteria provided. Collection method: clinical testing. Allele origin: germline. Not counted in ClinVar's aggregate classification.
Comment: The SEMA3E c.494G>A variant is predicted to result in the amino acid substitution p.Arg165Lys. To our knowledge, this variant has not been reported in the literature. This variant is reported in 0.0065% of alleles in individuals of European (Non-Finnish) descent in gnomAD. At this time, the clinical significance of this variant is uncertain due to the absence of conclusive functional and genetic evidence.

NM_012431.3(SEMA3E):c.494G>A (p.Arg165Lys)

Gene: SEMA3E (semaphorin 3E; minus strand). Cytogenetic location: 7q21.11.
Variant type: single nucleotide variant.
Coding change: c.494G>A on transcript NM_012431.3 (MANE Select); coding-DNA position 494, G replaced by A.
Protein change: p.Arg165Lys; replaces arginine 165 with lysine.
Molecular consequence: missense variant.
Genome position (GRCh38, 1-based): chr7:83,418,446, C>T on the plus strand (G>A on the coding strand, the complement: SEMA3E is on the minus strand). VCF-style: chr7-83418446-C-T. GRCh37 (hg19) VCF-style: chr7-83047762-C-T.
Other names: c.314G>A, p.Arg105Lys (NM_001178129.2); c.494G>A (NM_012431.2); short protein forms R165K, R105K.
Identifiers: ClinVar variation 2071430 (VCV002071430.5), dbSNP rs1431836894, ClinGen allele CA367934245.
Genomic context (GRCh38, chr7:83,418,446, plus strand): 5'-TTACCAATTAAAGTGGAGATGAAGGAGGAGCTGGGGTCAAAAGGACATCTGCCCCTTCCT[C>T]TCTCAGATCTGGGTGATTCCAGGTGAAACAGAGGATCCTTGAAAGAAAACCAGAAAAATC-3'
Protein context (NP_036563.1, residues 155-175): LFHLESPRSE[Arg165Lys]GRGRCPFDPS